The following is an entry in ClinVar:

ClinVar aggregate classification (germline): Likely benign. Review status: criteria provided, single submitter (1 of 4 stars). 2 submissions from 2 submitters: Likely benign (1). 1 of the submissions does not count toward it. Last evaluated 2025-10-20.

Conditions:
Early-infantile DEE. Also called: Early infantile epileptic encephalopathy with suppression bursts; Ohtahara syndrome; Early infantile epileptic encephalopathy. Identifiers: Orphanet 1934, MedGen C0393706, MONDO:0800491.
CACNA2D2-related disorder. Also called: CACNA2D2-related condition.

Allele frequency attached by ClinVar (database versions not stated): ExAC 0.00003; TOPMed 0.00003; gnomAD exomes 0.00004 and 0.00006.
gnomAD v4.1: 20 of 1,584,026 alleles (0.0013%); highest among the groups gnomAD compares: Admixed American, 0.036%; no homozygotes.

Submissions (2):

Labcorp Genetics (formerly Invitae), Labcorp
Classification: Likely benign for Early-infantile DEE. Last evaluated: 2025-10-20. Review status: criteria provided, single submitter. Criteria: Invitae Variant Classification Sherloc (09022015). Collection method: clinical testing. Allele origin: germline.

PreventionGenetics, part of Exact Sciences
Classification: Likely benign for CACNA2D2-related condition. Last evaluated: 2019-10-28. Review status: no assertion criteria provided. Collection method: clinical testing. Allele origin: germline. Not counted in ClinVar's aggregate classification.
Comment: This variant is classified as likely benign based on ACMG/AMP sequence variant interpretation guidelines (Richards et al. 2015 PMID: 25741868, with internal and published modifications).

NM_006030.4(CACNA2D2):c.3333G>A (p.Pro1111=)

Genes: CACNA2D2 (calcium voltage-gated channel auxiliary subunit alpha2delta 2; minus strand), LOC127898564 (CYB561D2-LOC101928965; plus strand). Cytogenetic location: 3p21.31.
Variant type: single nucleotide variant.
Coding change: c.3333G>A on transcript NM_006030.4 (MANE Select); coding-DNA position 3333, G replaced by A.
Protein change: p.Pro1111=; no amino-acid change (proline 1111 retained).
Molecular consequence: synonymous variant.
Genome position (GRCh38, 1-based): chr3:50,364,765, C>T on the plus strand (G>A on the coding strand, the complement: CACNA2D2 is on the minus strand). VCF-style: chr3-50364765-C-T. GRCh37 (hg19) VCF-style: chr3-50402196-C-T.
Other names: c.3339G>A, p.Pro1113= (NM_001005505.3); c.3354G>A, p.Pro1118= (NM_001174051.3); c.3132G>A, p.Pro1044= (NM_001291101.1).
Identifiers: ClinVar variation 416545 (VCV000416545.11), dbSNP rs772683542, ClinGen allele CA2418099.
Genomic context (GRCh38, chr3:50,364,765, plus strand): 5'-CGGCCGGGGCGGCAGGCCCAGGAGGAGCAGCAGTTGCAGGGAGACCAGGACGCCCAGCGA[C>T]GGCGGGAAGGAGGCCCCGCGGCCACAGTCTGAGGTATCTTCCTGCGGGGAGAGACAAGGA-3'
Protein context (NP_006021.2, residues 1101-1121): SDCGRGASFP[Pro1111=]SLGVLVSLQL